The following is an entry in ClinVar:

ClinVar aggregate classification (germline): Uncertain significance. Review status: criteria provided, multiple submitters, no conflicts (2 of 4 stars). 4 submissions from 4 submitters: Uncertain significance (4). Last evaluated 2023-06-26.

Conditions:
Juvenile polyposis syndrome (JPS). Identifiers: Orphanet 2929, MedGen C0345893, MONDO:0017380, OMIM 174900.
Hereditary cancer-predisposing syndrome. Also called: Neoplastic Syndromes, Hereditary; Tumor predisposition; Hereditary neoplastic syndrome; Hereditary Cancer Syndrome. Identifiers: Orphanet 140162, MedGen C0027672, MeSH D009386, MONDO:0015356.

gnomAD v4.1: 1 of 1,614,104 alleles (0.000062%); highest among the groups gnomAD compares: East Asian, 0.0022%; no homozygotes.

Submissions (4):

All of Us Research Program, National Institutes of Health
Classification: Uncertain significance for Juvenile polyposis syndrome. Last evaluated: 2023-06-26. Review status: criteria provided, single submitter. Criteria: ACMG Guidelines, 2015. Collection method: clinical testing. Allele origin: germline. Inheritance: Autosomal dominant inheritance. Observed: 1 variant allele, 1 heterozygote.
Comment: This missense variant replaces isoleucine with valine at codon 77 of the BMPR1A protein. Computational prediction suggests that this variant may not impact protein structure and function (internally defined REVEL score threshold <= 0.5, PMID: 27666373). Splice site prediction tools suggest that this variant may not impact RNA splicing. To our knowledge, functional studies have not been performed for this variant. This variant has not been reported in individuals affected with hereditary cancer in the literature. This variant has not been identified in the general population by the Genome Aggregation Database (gnomAD). The available evidence is insufficient to determine the role of this variant in disease conclusively. Therefore, this variant is classified as a Variant of Uncertain Significance.

This study involves interpretation of variants in research participants for the purpose of population health screening. Participant phenotype was not available at the time of variant classification. Additional details can be found in publication PMID: 35346344, PMCID: PMC8962531

Color Diagnostics, LLC DBA Color Health
Classification: Uncertain significance for Hereditary cancer-predisposing syndrome. Last evaluated: 2023-06-14. Review status: criteria provided, single submitter. Criteria: ACMG Guidelines, 2015. Collection method: clinical testing. Allele origin: germline.
Comment: This missense variant replaces isoleucine with valine at codon 77 of the BMPR1A protein. Computational prediction suggests that this variant may not impact protein structure and function (internally defined REVEL score threshold <= 0.5, PMID: 27666373). To our knowledge, functional studies have not been reported for this variant. This variant has not been reported in individuals affected with BMPR1A-related disorders in the literature. This variant has not been identified in the general population by the Genome Aggregation Database (gnomAD). The available evidence is insufficient to determine the role of this variant in disease conclusively. Therefore, this variant is classified as a Variant of Uncertain Significance.

Ambry Genetics
Classification: Uncertain significance for Hereditary cancer-predisposing syndrome. Last evaluated: 2022-12-03. Review status: criteria provided, single submitter. Criteria: Ambry Variant Classification Scheme 2023. Collection method: clinical testing. Allele origin: germline.
Comment: The p.I77V variant (also known as c.229A>G), located in coding exon 2 of the BMPR1A gene, results from an A to G substitution at nucleotide position 229. The isoleucine at codon 77 is replaced by valine, an amino acid with highly similar properties. This amino acid position is conserved. In addition, the in silico prediction for this alteration is inconclusive. Since supporting evidence is limited at this time, the clinical significance of this alteration remains unclear.

Labcorp Genetics (formerly Invitae), Labcorp
Classification: Uncertain significance for Juvenile polyposis syndrome. Last evaluated: 2019-06-07. Review status: criteria provided, single submitter. Criteria: Invitae Variant Classification Sherloc (09022015). Collection method: clinical testing. Allele origin: germline.
Comment: This sequence change replaces isoleucine with valine at codon 77 of the BMPR1A protein (p.Ile77Val). The isoleucine residue is moderately conserved and there is a small physicochemical difference between isoleucine and valine. This variant is not present in population databases (ExAC no frequency). This variant has not been reported in the literature in individuals with BMPR1A-related disease. ClinVar contains an entry for this variant (Variation ID: 239859). Algorithms developed to predict the effect of missense changes on protein structure and function (SIFT, PolyPhen-2, Align-GVGD) all suggest that this variant is likely to be tolerated, but these predictions have not been confirmed by published functional studies and their clinical significance is uncertain. In summary, the available evidence is currently insufficient to determine the role of this variant in disease. Therefore, it has been classified as a Variant of Uncertain Significance.

NM_004329.3(BMPR1A):c.229A>G (p.Ile77Val)

Gene: BMPR1A (bone morphogenetic protein receptor type 1A; plus strand). Cytogenetic location: 10q23.2.
Variant type: single nucleotide variant.
Coding change: c.229A>G on transcript NM_004329.3 (MANE Select); coding-DNA position 229, A replaced by G.
Protein change: p.Ile77Val; replaces isoleucine 77 with valine.
Molecular consequence: missense variant.
Genome position (GRCh38, 1-based): chr10:86,890,223, A>G. VCF-style: chr10-86890223-A-G. GRCh37 (hg19) VCF-style: chr10-88649980-A-G.
Other names: short protein forms I77V.
Identifiers: ClinVar variation 239859 (VCV000239859.19), dbSNP rs878854666, ClinGen allele CA10582740.